The following is an entry in ClinVar:

NM_004260.4(RECQL4):c.2143C>G (p.Arg715Gly)

Gene: RECQL4 (RecQ like helicase 4; minus strand). Cytogenetic location: 8q24.3.
Variant type: single nucleotide variant.
Coding change: c.2143C>G on transcript NM_004260.4 (MANE Select); coding-DNA position 2143, C replaced by G.
Protein change: p.Arg715Gly; replaces arginine 715 with glycine.
Molecular consequence: missense variant.
Genome position (GRCh38, 1-based): chr8:144,513,628, G>C on the plus strand (C>G on the coding strand, the complement: RECQL4 is on the minus strand). VCF-style: chr8-144513628-G-C. GRCh37 (hg19) VCF-style: chr8-145739012-G-C.
Other names: short protein forms R715G.
Identifiers: ClinVar variation 1046698 (VCV001046698.3), dbSNP rs373292946, ClinGen allele CA372679759.
Genomic context (GRCh38, chr8:144,513,628, plus strand): 5'-CACCTCCAGACCCTGGGACCCAGGCTGCGTGCAGGCAGGTTCGGAGGAGCGCAGCGATCC[G>C]CTCTGTGTCCTCGCGCCGGTTGCAGTAAATGATAATGGAATCGAGGTTTTGAAAACGTTT-3'
Protein context (NP_004251.4, residues 705-725): IYCNRREDTE[Arg715Gly]IAALLRTCLH

ClinVar aggregate classification (germline): Uncertain significance (1 of 4 stars; one submission).

Conditions:
Baller-Gerold syndrome (BGS). Also called: CRANIOSYNOSTOSIS WITH RADIAL DEFECTS. Identifiers: Orphanet 1225, MedGen C0265308, MONDO:0009039, OMIM 218600.

Submission:

Labcorp Genetics (formerly Invitae), Labcorp
Classification: Uncertain significance for Baller-Gerold syndrome. Last evaluated: 2025-05-12. Review status: criteria provided, single submitter. Criteria: Invitae Variant Classification Sherloc (09022015). Collection method: clinical testing. Allele origin: germline.
Comment: This sequence change replaces arginine, which is basic and polar, with glycine, which is neutral and non-polar, at codon 715 of the RECQL4 protein (p.Arg715Gly). This variant is not present in population databases (gnomAD no frequency). This variant has not been reported in the literature in individuals affected with RECQL4-related conditions. ClinVar contains an entry for this variant (Variation ID: 1046698). Invitae Evidence Modeling of protein sequence and biophysical properties (such as structural, functional, and spatial information, amino acid conservation, physicochemical variation, residue mobility, and thermodynamic stability) indicates that this missense variant is expected to disrupt RECQL4 protein function with a positive predictive value of 80%. In summary, the available evidence is currently insufficient to determine the role of this variant in disease. Therefore, it has been classified as a Variant of Uncertain Significance.